The following is an entry in ClinVar:

ClinVar aggregate classification (germline): Likely benign (0 of 4 stars; one submission).

Conditions:
A2ML1-related disorder. Also called: A2ML1-related condition.

gnomAD v4.1: 1 of 1,612,580 alleles (0.000062%); highest among the groups gnomAD compares: Non-Finnish European, 0.000085%; no homozygotes.

Submission:

PreventionGenetics, part of Exact Sciences
Classification: Likely benign for A2ML1-related condition. Last evaluated: 2022-04-15. Review status: no assertion criteria provided. Collection method: clinical testing. Allele origin: germline.
Comment: This variant is classified as likely benign based on ACMG/AMP sequence variant interpretation guidelines (Richards et al. 2015 PMID: 25741868, with internal and published modifications).

NM_144670.6(A2ML1):c.3693A>C (p.Ala1231=)

Gene: A2ML1 (alpha-2-macroglobulin like 1; plus strand). Cytogenetic location: 12p13.31.
Variant type: single nucleotide variant.
Coding change: c.3693A>C on transcript NM_144670.6 (MANE Select); coding-DNA position 3693, A replaced by C.
Protein change: p.Ala1231=; no amino-acid change (alanine 1231 retained).
Molecular consequence: synonymous variant.
Genome position (GRCh38, 1-based): chr12:8,863,984, A>C. VCF-style: chr12-8863984-A-C. GRCh37 (hg19) VCF-style: chr12-9016580-A-C.
Other names: c.2220A>C, p.Ala740= (NM_001282424.3).
Identifiers: ClinVar variation 3043784 (VCV003043784.2), dbSNP rs2539298788, ClinGen allele CA478308188.